The following is an entry in ClinVar:

NM_001690.4(ATP6V1A):c.56G>C (p.Gly19Ala)

Gene: ATP6V1A (ATPase H+ transporting V1 subunit A; plus strand). Cytogenetic location: 3q13.31.
Variant type: single nucleotide variant.
Coding change: c.56G>C on transcript NM_001690.4 (MANE Select); coding-DNA position 56, G replaced by C.
Protein change: p.Gly19Ala; replaces glycine 19 with alanine.
Molecular consequence: missense variant.
Genome position (GRCh38, 1-based): chr3:113,778,809, G>C. VCF-style: chr3-113778809-G-C. GRCh37 (hg19) VCF-style: chr3-113497656-G-C.
Other names: short protein forms G19A.
Identifiers: ClinVar variation 2581859 (VCV002581859.1), dbSNP rs972975431, ClinGen allele CA354003412.

ClinVar aggregate classification (germline): Uncertain significance (1 of 4 stars; one submission).

Submission:

GeneDx
Classification: Uncertain significance. Last evaluated: 2023-03-31. Review status: criteria provided, single submitter. Criteria: GeneDx Variant Classification Process June 2021. Collection method: clinical testing. Allele origin: germline. Affected: yes.
Comment: Not observed at significant frequency in large population cohorts (gnomAD); In silico analysis supports that this missense variant has a deleterious effect on protein structure/function; Has not been previously published as pathogenic or benign to our knowledge